The following is an entry in ClinVar:

ClinVar aggregate classification (germline): Uncertain significance (1 of 4 stars; one submission).

Conditions:
Brugada syndrome 8 (BRGDA8). Identifiers: Orphanet 130, MedGen C2751083, MONDO:0013148, OMIM 613123.

Submission:

Labcorp Genetics (formerly Invitae), Labcorp
Classification: Uncertain significance for Brugada syndrome 8. Last evaluated: 2025-08-03. Review status: criteria provided, single submitter. Criteria: Invitae Variant Classification Sherloc (09022015). Collection method: clinical testing. Allele origin: germline.
Comment: This sequence change replaces glycine, which is neutral and non-polar, with aspartic acid, which is acidic and polar, at codon 561 of the HCN4 protein (p.Gly561Asp). This variant is not present in population databases (gnomAD no frequency). This variant has not been reported in the literature in individuals affected with HCN4-related conditions. ClinVar contains an entry for this variant (Variation ID: 2876201). Invitae Evidence Modeling of protein sequence and biophysical properties (such as structural, functional, and spatial information, amino acid conservation, physicochemical variation, residue mobility, and thermodynamic stability) indicates that this missense variant is expected to disrupt HCN4 protein function with a positive predictive value of 95%. In summary, the available evidence is currently insufficient to determine the role of this variant in disease. Therefore, it has been classified as a Variant of Uncertain Significance.

NM_005477.3(HCN4):c.1682G>A (p.Gly561Asp)

Gene: HCN4 (hyperpolarization activated cyclic nucleotide gated potassium channel 4; minus strand). Cytogenetic location: 15q24.1.
Variant type: single nucleotide variant.
Coding change: c.1682G>A on transcript NM_005477.3 (MANE Select); coding-DNA position 1682, G replaced by A.
Protein change: p.Gly561Asp; replaces glycine 561 with aspartic acid.
Molecular consequence: missense variant.
Genome position (GRCh38, 1-based): chr15:73,325,353, C>T on the plus strand (G>A on the coding strand, the complement: HCN4 is on the minus strand). VCF-style: chr15-73325353-C-T. GRCh37 (hg19) VCF-style: chr15-73617694-C-T.
Other names: short protein forms G561D.
Identifiers: ClinVar variation 2876201 (VCV002876201.3), dbSNP rs2549070145, ClinGen allele CA393091980.